The following is an entry in ClinVar:

NM_012448.4(STAT5B):c.464C>T (p.Thr155Met)

Gene: STAT5B (signal transducer and activator of transcription 5B; minus strand). Cytogenetic location: 17q21.2.
Variant type: single nucleotide variant.
Coding change: c.464C>T on transcript NM_012448.4 (MANE Select); coding-DNA position 464, C replaced by T.
Protein change: p.Thr155Met; replaces threonine 155 with methionine.
Molecular consequence: missense variant.
Genome position (GRCh38, 1-based): chr17:42,223,468, G>A on the plus strand (C>T on the coding strand, the complement: STAT5B is on the minus strand). VCF-style: chr17-42223468-G-A. GRCh37 (hg19) VCF-style: chr17-40375486-G-A.
Other names: short protein forms T155M.
Identifiers: ClinVar variation 837905 (VCV000837905.11), dbSNP rs138255473, ClinGen allele CA8574271.

ClinVar aggregate classification (germline): Uncertain significance. Review status: criteria provided, multiple submitters, no conflicts (2 of 4 stars). 2 submissions from 2 submitters: Uncertain significance (2). Last evaluated 2024-07-17.

Conditions:
Growth hormone insensitivity with immune dysregulation 1, autosomal recessive. Also called: Laron syndrome with immunodeficiency; GROWTH HORMONE INSENSITIVITY DUE TO POSTRECEPTOR DEFECT; LARON SYNDROME DUE TO POSTRECEPTOR DEFECT; GROWTH HORMONE INSENSITIVITY SYNDROME WITH IMMUNE DYSREGULATION 1, AUTOSOMAL RECESSIVE. Identifiers: Orphanet 220465, MedGen C5435698, MONDO:0100211, OMIM 245590.
Short stature. Identifiers: MedGen C0349588, HP:0004322.

Allele frequency attached by ClinVar (database versions not stated): ExAC 0.00001; gnomAD exomes 0.00001 and 0.00002; TOPMed 0.00003; gnomAD 0.00004; ESP Exome Variant Server 0.00008.
gnomAD v4.1: 20 of 1,613,988 alleles (0.0012%); highest among the groups gnomAD compares: East Asian, 0.016%; no homozygotes.

Submissions (2):

Clinical Genetics Laboratory, Skane University Hospital Lund
Classification: Uncertain significance for Short stature. Last evaluated: 2024-07-17. Review status: criteria provided, single submitter. Criteria: ACMG Guidelines, 2015. Collection method: clinical testing. Allele origin: germline. Affected: yes.

Labcorp Genetics (formerly Invitae), Labcorp
Classification: Uncertain significance for Growth hormone insensitivity with immune dysregulation 1, autosomal recessive. Last evaluated: 2023-12-03. Review status: criteria provided, single submitter. Criteria: Invitae Variant Classification Sherloc (09022015). Collection method: clinical testing. Allele origin: germline.
Comment: This sequence change replaces threonine, which is neutral and polar, with methionine, which is neutral and non-polar, at codon 155 of the STAT5B protein (p.Thr155Met). This variant is present in population databases (rs138255473, gnomAD 0.008%). This missense change has been observed in individual(s) with clinical features of STAT5B deficiency (Invitae). ClinVar contains an entry for this variant (Variation ID: 837905). Advanced modeling of protein sequence and biophysical properties (such as structural, functional, and spatial information, amino acid conservation, physicochemical variation, residue mobility, and thermodynamic stability) performed at Invitae indicates that this missense variant is not expected to disrupt STAT5B protein function with a negative predictive value of 80%. In summary, the available evidence is currently insufficient to determine the role of this variant in disease. Therefore, it has been classified as a Variant of Uncertain Significance.